The following is an entry in ClinVar:

NM_001375405.1(CEP120):c.2422C>T (p.Gln808Ter)

Gene: CEP120 (centrosomal protein 120; minus strand). Cytogenetic location: 5q23.2.
Variant type: single nucleotide variant.
Coding change: c.2422C>T on transcript NM_001375405.1 (MANE Select); coding-DNA position 2422, C replaced by T.
Protein change: p.Gln808Ter; replaces glutamine 808 with a stop codon.
Molecular consequence: nonsense. On other transcripts: non-coding transcript variant (1).
Genome position (GRCh38, 1-based): chr5:123,372,709, G>A on the plus strand (C>T on the coding strand, the complement: CEP120 is on the minus strand). VCF-style: chr5-123372709-G-A. GRCh37 (hg19) VCF-style: chr5-122708403-G-A.
Other names: c.2344C>T, p.Gln782Ter (NM_001166226.2); c.2287C>T, p.Gln763Ter (NM_001375406.1); c.2422C>T, p.Gln808Ter (NM_001375407.1, NM_153223.4); c.1849C>T, p.Gln617Ter (NM_001375408.1, NM_001375409.1); short protein forms Q617*, Q763*, Q782*, Q808*.
Identifiers: ClinVar variation 3364760 (VCV003364760.2).

ClinVar aggregate classification (germline): Likely pathogenic. Review status: criteria provided, multiple submitters, no conflicts (2 of 4 stars). 2 submissions from 2 submitters: Likely pathogenic (2). Last evaluated 2024-04-16.

Conditions:
CEP120-related disorder. Also called: CEP120-Related Disorders; CEP120-related condition.

gnomAD v4.1: 3 of 1,610,810 alleles (0.00019%); highest among the groups gnomAD compares: Non-Finnish European, 0.00025%; no homozygotes.

Submissions (2):

GeneDx
Classification: Likely pathogenic. Last evaluated: 2024-04-16. Review status: criteria provided, single submitter. Criteria: GeneDx Variant Classification Process June 2021. Collection method: clinical testing. Allele origin: germline. Affected: yes.
Comment: Nonsense variant predicted to result in protein truncation or nonsense mediated decay in a gene for which loss-of-function is a known mechanism of disease; Not observed at significant frequency in large population cohorts (gnomAD); Has not been previously published as pathogenic or benign to our knowledge

Blueprint Genetics
Classification: Likely pathogenic for CEP120-related disorders. Last evaluated: 2023-09-25. Review status: criteria provided, single submitter. Criteria: ACMG Guidelines, 2015. Collection method: clinical testing. Allele origin: germline. Affected: yes. Observed: 5 variant alleles.